The following is an entry in ClinVar:

ClinVar aggregate classification (germline): Uncertain significance. Review status: criteria provided, multiple submitters, no conflicts (2 of 4 stars). 2 submissions from 2 submitters: Uncertain significance (2). Last evaluated 2024-04-22.

Conditions:
Charcot-Marie-Tooth disease type 2. Also called: Charcot-Marie-Tooth type 2. Identifiers: Orphanet 64746, MedGen C0270914, MONDO:0018993.

Submissions (2):

GeneDx
Classification: Uncertain significance. Last evaluated: 2024-04-22. Review status: criteria provided, single submitter. Criteria: GeneDx Variant Classification Process June 2021. Collection method: clinical testing. Allele origin: germline. Affected: yes.
Comment: Not observed at significant frequency in large population cohorts (gnomAD); In silico analysis supports that this missense variant has a deleterious effect on protein structure/function; Has not been previously published as pathogenic or benign to our knowledge

Labcorp Genetics (formerly Invitae), Labcorp
Classification: Uncertain significance for Charcot-Marie-Tooth disease type 2. Last evaluated: 2021-06-11. Review status: criteria provided, single submitter. Criteria: Invitae Variant Classification Sherloc (09022015). Collection method: clinical testing. Allele origin: germline.
Comment: This sequence change replaces lysine with isoleucine at codon 720 of the MFN2 protein (p.Lys720Ile). The lysine residue is moderately conserved and there is a moderate physicochemical difference between lysine and isoleucine. This variant is not present in population databases (ExAC no frequency). This variant has not been reported in the literature in individuals with MFN2-related conditions. Advanced modeling of protein sequence and biophysical properties (such as structural, functional, and spatial information, amino acid conservation, physicochemical variation, residue mobility, and thermodynamic stability) performed at Invitae indicates that this missense variant is expected to disrupt MFN2 protein function. In summary, the available evidence is currently insufficient to determine the role of this variant in disease. Therefore, it has been classified as a Variant of Uncertain Significance.

NM_014874.4(MFN2):c.2159A>T (p.Lys720Ile)

Gene: MFN2 (mitofusin 2; plus strand). Cytogenetic location: 1p36.22.
Variant type: single nucleotide variant.
Coding change: c.2159A>T on transcript NM_014874.4 (MANE Select); coding-DNA position 2159, A replaced by T.
Protein change: p.Lys720Ile; replaces lysine 720 with isoleucine.
Molecular consequence: missense variant.
Genome position (GRCh38, 1-based): chr1:12,009,681, A>T. VCF-style: chr1-12009681-A-T. GRCh37 (hg19) VCF-style: chr1-12069738-A-T.
Other names: c.2159A>T, p.Lys720Ile (NM_001127660.2); c.2159A>T (NM_014874.3); short protein forms K720I.
Identifiers: ClinVar variation 1388523 (VCV001388523.9), dbSNP rs2100868363, ClinGen allele CA338453252.